The following is an entry in ClinVar:

ClinVar aggregate classification (germline): Uncertain significance (1 of 4 stars; one submission).

Conditions:
Neuroblastoma, susceptibility to, 3. Also called: ALK-Related Neuroblastic Tumor Susceptibility. Identifiers: Orphanet 635, MedGen C2751681, MONDO:0013083, OMIM 613014.

gnomAD v4.1: 1 of 1,612,074 alleles (0.000062%); highest among the groups gnomAD compares: South Asian, 0.0011%; no homozygotes.

Submission:

Labcorp Genetics (formerly Invitae), Labcorp
Classification: Uncertain significance for Neuroblastoma, susceptibility to, 3. Last evaluated: 2024-02-13. Review status: criteria provided, single submitter. Criteria: Invitae Variant Classification Sherloc (09022015). Collection method: clinical testing. Allele origin: germline.
Comment: This sequence change affects a donor splice site in intron 26 of the ALK gene. It is expected to disrupt RNA splicing. Variants that disrupt the donor or acceptor splice site typically lead to a loss of protein function (PMID: 16199547), however the current clinical and genetic evidence is not sufficient to establish whether loss-of-function variants in ALK cause disease. This variant is not present in population databases (gnomAD no frequency). This variant has not been reported in the literature in individuals affected with ALK-related conditions. Algorithms developed to predict the effect of sequence changes on RNA splicing suggest that this variant may disrupt the consensus splice site. In summary, the available evidence is currently insufficient to determine the role of this variant in disease. Therefore, it has been classified as a Variant of Uncertain Significance.

Literature cited by the submitters: PubMed 16199547.

NM_004304.5(ALK):c.3938+1G>T

Gene: ALK (ALK receptor tyrosine kinase; minus strand). Cytogenetic location: 2p23.2.
Variant type: single nucleotide variant.
Coding change: c.3938+1G>T on transcript NM_004304.5 (MANE Select); the canonical splice donor site of the intron after coding-DNA position 3938, G replaced by T.
Molecular consequence: splice donor variant.
Genome position (GRCh38, 1-based): chr2:29,207,170, C>A on the plus strand (G>T on the coding strand, the complement: ALK is on the minus strand). VCF-style: chr2-29207170-C-A. GRCh37 (hg19) VCF-style: chr2-29430036-C-A.
Other names: c.734+1G>T (NM_001353765.2).
Identifiers: ClinVar variation 3640507 (VCV003640507.2).